The following is an entry in ClinVar:

ClinVar aggregate classification (germline): Uncertain significance. Review status: criteria provided, multiple submitters, no conflicts (2 of 4 stars). 2 submissions from 2 submitters: Uncertain significance (2). Last evaluated 2025-12-20.

Allele frequency attached by ClinVar (database versions not stated): ExAC 0.00001; gnomAD 0.00006; TOPMed 0.00007.
gnomAD v4.1: 141 of 1,609,378 alleles (0.0088%); highest among the groups gnomAD compares: Non-Finnish European, 0.011%; no homozygotes.

Submissions (2):

Labcorp Genetics (formerly Invitae), Labcorp
Classification: Uncertain significance. Last evaluated: 2025-12-20. Review status: criteria provided, single submitter. Criteria: Invitae Variant Classification Sherloc (09022015). Collection method: clinical testing. Allele origin: germline.
Comment: This sequence change replaces valine, which is neutral and non-polar, with isoleucine, which is neutral and non-polar, at codon 221 of the MYLK3 protein (p.Val221Ile). This variant is present in population databases (rs773986726, gnomAD 0.003%). This variant has not been reported in the literature in individuals affected with MYLK3-related conditions. ClinVar contains an entry for this variant (Variation ID: 2183774). An algorithm developed to predict the effect of missense changes on protein structure and function outputs the following: PolyPhen-2: "Benign". The isoleucine amino acid residue is found in multiple mammalian species, which suggests that this missense change does not adversely affect protein function. In summary, the available evidence is currently insufficient to determine the role of this variant in disease. Therefore, it has been classified as a Variant of Uncertain Significance.

Ambry Genetics
Classification: Uncertain significance. Last evaluated: 2025-08-23. Review status: criteria provided, single submitter. Criteria: Ambry Variant Classification Scheme 2023. Collection method: clinical testing. Allele origin: germline.

NM_182493.3(MYLK3):c.661G>A (p.Val221Ile)

Gene: MYLK3 (myosin light chain kinase 3; minus strand). Cytogenetic location: 16q11.2.
Variant type: single nucleotide variant.
Coding change: c.661G>A on transcript NM_182493.3 (MANE Select); coding-DNA position 661, G replaced by A.
Protein change: p.Val221Ile; replaces valine 221 with isoleucine.
Molecular consequence: missense variant. On other transcripts: intron variant (1).
Genome position (GRCh38, 1-based): chr16:46,738,051, C>T on the plus strand (G>A on the coding strand, the complement: MYLK3 is on the minus strand). VCF-style: chr16-46738051-C-T. GRCh37 (hg19) VCF-style: chr16-46771963-C-T.
Other names: c.-23+2006G>A (NM_001308301.1); c.661G>A (NM_182493.2); short protein forms V221I.
Identifiers: ClinVar variation 2183774 (VCV002183774.5), dbSNP rs773986726, ClinGen allele CA8038172.
Genomic context (GRCh38, chr16:46,738,051, plus strand): 5'-GCAGGTGGCCAGGGAATGCCTGGGCTGGGCCAGGAACACCATCTCCCTGGCCCGGTGAGA[C>T]CACTGCCTGGGCGGGGTCAGCTCCCAGCCCTGACGCTCTGATGGGGGGCAGCCTCTCCGC-3'
Protein context (NP_872299.2, residues 211-231): GLGADPAQAV[Val221Ile]SPGQGDGVPG